The following is an entry in ClinVar:

ClinVar aggregate classification (germline): Uncertain significance (1 of 4 stars; one submission).

Conditions:
Candidiasis, familial, 6 (CANDF6). Also called: Candidiasis, familial, 6, autosomal dominant. Identifiers: Orphanet 1334, MedGen C3151405, MONDO:0013503, OMIM 613956.

Submission:

Labcorp Genetics (formerly Invitae), Labcorp
Classification: Uncertain significance for Candidiasis, familial, 6. Last evaluated: 2025-02-10. Review status: criteria provided, single submitter. Criteria: Invitae Variant Classification Sherloc (09022015). Collection method: clinical testing. Allele origin: germline.
Comment: This sequence change affects the initiator methionine of the IL17F mRNA. The next in-frame methionine is located at codon 11. This variant is present in population databases (no rsID available, gnomAD 0.006%). This variant has not been reported in the literature in individuals affected with IL17F-related conditions. Experimental studies and prediction algorithms are not available or were not evaluated, and the functional significance of this variant is currently unknown. In summary, the available evidence is currently insufficient to determine the role of this variant in disease. Therefore, it has been classified as a Variant of Uncertain Significance.

NM_052872.4(IL17F):c.3G>T (p.Met1Ile)

Gene: IL17F (interleukin 17F; minus strand). Cytogenetic location: 6p12.2.
Variant type: single nucleotide variant.
Coding change: c.3G>T on transcript NM_052872.4 (MANE Select); coding-DNA position 3, G replaced by T.
Protein change: p.Met1Ile; changes the start codon (methionine 1).
Molecular consequence: missense variant, initiator codon variant.
Genome position (GRCh38, 1-based): chr6:52,244,427, C>A on the plus strand (G>T on the coding strand, the complement: IL17F is on the minus strand). VCF-style: chr6-52244427-C-A. GRCh37 (hg19) VCF-style: chr6-52109225-C-A.
Other names: short protein forms M1I.
Identifiers: ClinVar variation 4739967 (VCV004739967.1).